The following is an entry in ClinVar:

NM_024301.5(FKRP):c.1160T>C (p.Val387Ala)

Gene: FKRP (fukutin related protein; plus strand). Cytogenetic location: 19q13.32.
Variant type: single nucleotide variant.
Coding change: c.1160T>C on transcript NM_024301.5 (MANE Select); coding-DNA position 1160, T replaced by C.
Protein change: p.Val387Ala; replaces valine 387 with alanine.
Molecular consequence: missense variant.
Genome position (GRCh38, 1-based): chr19:46,756,610, T>C. VCF-style: chr19-46756610-T-C. GRCh37 (hg19) VCF-style: chr19-47259867-T-C.
Other names: c.1160T>C, p.Val387Ala (NM_001039885.3); c.1160T>C (NM_024301.4); short protein forms V387A.
Identifiers: ClinVar variation 1061627 (VCV001061627.8), dbSNP rs779577195, ClinGen allele CA9532261.

ClinVar aggregate classification (germline): Uncertain significance. Review status: criteria provided, single submitter (1 of 4 stars). 2 submissions from 2 submitters: Uncertain significance (1). 1 of the submissions does not count toward it. Last evaluated 2021-11-17.

Conditions:
Walker-Warburg congenital muscular dystrophy. Also called: Muscular dystrophy-dystroglycanopathy, type A; Walker-Warburg syndrome. Identifiers: Orphanet 899, MedGen C0265221, MONDO:0000171.
Autosomal recessive limb-girdle muscular dystrophy type 2I. Also called: MUSCULAR DYSTROPHY-DYSTROGLYCANOPATHY (LIMB-GIRDLE), TYPE C, 5; MUSCULAR DYSTROPHY-DYSTROGLYCANOPATHY, LIMB-GIRDLE, FRKP-RELATED; MUSCULAR DYSTROPHY, LIMB-GIRDLE, TYPE 2I. Identifiers: Orphanet 34515, MedGen C1846672, MONDO:0011787, OMIM 607155.

Allele frequency attached by ClinVar (database versions not stated): gnomAD exomes below 0.00001 and 0.00001; ExAC 0.00001; gnomAD 0.00001; TOPMed 0.00001.

Submissions (2):

Labcorp Genetics (formerly Invitae), Labcorp
Classification: Uncertain significance for Walker-Warburg congenital muscular dystrophy. Last evaluated: 2021-11-17. Review status: criteria provided, single submitter. Criteria: Invitae Variant Classification Sherloc (09022015). Collection method: clinical testing. Allele origin: germline.
Comment: This sequence change replaces valine, which is neutral and non-polar, with alanine, which is neutral and non-polar, at codon 387 of the FKRP protein (p.Val387Ala). The frequency data for this variant in the population databases is considered unreliable, as metrics indicate poor data quality at this position in the gnomAD database. In summary, the available evidence is currently insufficient to determine the role of this variant in disease. Therefore, it has been classified as a Variant of Uncertain Significance. Algorithms developed to predict the effect of missense changes on protein structure and function are either unavailable or do not agree on the potential impact of this missense change (SIFT: "Tolerated"; PolyPhen-2: "Probably Damaging"; Align-GVGD: "Class C0"). ClinVar contains an entry for this variant (Variation ID: 1061627). This variant has not been reported in the literature in individuals affected with FKRP-related conditions.

Natera, Inc.
Classification: Uncertain significance for Limb-girdle muscular dystrophy type 2I. Last evaluated: 2025-02-20. Review status: no assertion criteria provided. Collection method: clinical testing. Allele origin: germline. Not counted in ClinVar's aggregate classification.